The following is an entry in ClinVar:

ClinVar aggregate classification (germline): Uncertain significance (1 of 4 stars; one submission).

Submission:

GeneDx
Classification: Uncertain significance. Last evaluated: 2019-07-17. Review status: criteria provided, single submitter. Criteria: GeneDx Variant Classification Process June 2021. Collection method: clinical testing. Allele origin: germline. Affected: yes.
Comment: Not observed in large population cohorts (Lek et al., 2016); Canonical splice site variant predicted to result in an in-frame deletion of exon 7; Has not been previously published as pathogenic or benign to our knowledge

NM_002591.4(PCK1):c.1186+2T>C

Gene: PCK1 (phosphoenolpyruvate carboxykinase 1; plus strand). Cytogenetic location: 20q13.31.
Variant type: single nucleotide variant.
Coding change: c.1186+2T>C on transcript NM_002591.4 (MANE Select); the canonical splice donor site of the intron after coding-DNA position 1186, T replaced by C.
Molecular consequence: splice donor variant.
Genome position (GRCh38, 1-based): chr20:57,564,395, T>C. VCF-style: chr20-57564395-T-C. GRCh37 (hg19) VCF-style: chr20-56139451-T-C.
Identifiers: ClinVar variation 1306858 (VCV001306858.2), dbSNP rs111913605, ClinGen allele CA409436605.
Genomic context (GRCh38, chr20:57,564,395, plus strand): 5'-GCTAGCTTCAGGTGTCACCATCACGTCCTGGAAGAATAAGGAGTGGAGCTCAGAGGATGG[T>C]GTGTCCCTGCCAGAGGCCTTGGTGTGCCGGGCTGCAGGGACTGCCTGTTTGAGCCAGGCA-3'